The following is an entry in ClinVar:

ClinVar aggregate classification (germline): Uncertain significance. Review status: criteria provided, multiple submitters, no conflicts (2 of 4 stars). 3 submissions from 3 submitters: Uncertain significance (3). Last evaluated 2023-04-11.

Conditions:
Developmental and epileptic encephalopathy, 18 (DEE18). Also called: Early infantile epileptic encephalopathy 18. Identifiers: Orphanet 369894, MedGen C3809624, MONDO:0014201, OMIM 615476.

Allele frequency attached by ClinVar (database versions not stated): TOPMed 0.00001.
gnomAD v4.1: 13 of 1,614,010 alleles (0.00081%); highest among the groups gnomAD compares: African/African-American, 0.0013%; no homozygotes.

Submissions (3):

Genome-Nilou Lab
Classification: Uncertain significance for Developmental and epileptic encephalopathy, 18. Last evaluated: 2023-04-11. Review status: criteria provided, single submitter. Criteria: ACMG Guidelines, 2015. Collection method: clinical testing. Allele origin: germline. Affected: no.

Labcorp Genetics (formerly Invitae), Labcorp
Classification: Uncertain significance. Last evaluated: 2021-09-01. Review status: criteria provided, single submitter. Criteria: Invitae Variant Classification Sherloc (09022015). Collection method: clinical testing. Allele origin: germline.
Comment: This sequence change replaces arginine with histidine at codon 2518 of the SZT2 protein (p.Arg2518His). The arginine residue is highly conserved and there is a small physicochemical difference between arginine and histidine. This variant is present in population databases (rs147818016, ExAC 0.001%). This variant has not been reported in the literature in individuals affected with SZT2-related conditions. Algorithms developed to predict the effect of missense changes on protein structure and function are either unavailable or do not agree on the potential impact of this missense change (SIFT: "Tolerated"; PolyPhen-2: "Probably Damaging"; Align-GVGD: "Class C0"). In summary, the available evidence is currently insufficient to determine the role of this variant in disease. Therefore, it has been classified as a Variant of Uncertain Significance.

GeneDx
Classification: Uncertain significance. Last evaluated: 2019-08-07. Review status: criteria provided, single submitter. Criteria: GeneDx Variant Classification Process June 2021. Collection method: clinical testing. Allele origin: germline. Affected: yes.
Comment: Not observed at a significant frequency in large population cohorts (Lek et al., 2016); In silico analysis, which includes protein predictors and evolutionary conservation, supports a deleterious effect; Has not been previously published as pathogenic or benign to our knowledge

NM_001365999.1(SZT2):c.7724G>A (p.Arg2575His)

Gene: SZT2 (SZT2 subunit of KICSTOR complex; plus strand). Cytogenetic location: 1p34.2.
Variant type: single nucleotide variant.
Coding change: c.7724G>A on transcript NM_001365999.1 (MANE Select); coding-DNA position 7724, G replaced by A.
Protein change: p.Arg2575His; replaces arginine 2575 with histidine.
Molecular consequence: missense variant.
Genome position (GRCh38, 1-based): chr1:43,441,800, G>A. VCF-style: chr1-43441800-G-A. GRCh37 (hg19) VCF-style: chr1-43907471-G-A.
Other names: c.7553G>A, p.Arg2518His (NM_015284.4); short protein forms R2518H, R2575H.
Identifiers: ClinVar variation 934959 (VCV000934959.9), dbSNP rs147818016, ClinGen allele CA810302.